The following is an entry in ClinVar:

ClinVar aggregate classification (germline): Likely pathogenic (1 of 4 stars; one submission).

Conditions:
LAMA2-related muscular dystrophy (LAMA2-RD). Also called: Laminin alpha 2-related dystrophy. Identifiers: MedGen C5679788, MONDO:0100228.

Submission:

Myriad Genetics, Inc.
Classification: Likely pathogenic for LAMA2-related muscular dystrophy. Last evaluated: 2022-01-08. Review status: criteria provided, single submitter. Criteria: Myriad Autosomal Dominant, Autosomal Recessive and X-Linked Classification Criteria (2023). Collection method: clinical testing. Allele origin: unknown.
Comment: NM_000426.3(LAMA2):c.8430_8431insAG(A2811Rfs*9) is expected to be pathogenic in the context of muscular dystrophy, LAMA2-related. This variant is predicted to lead to an abnormal or absent protein product due to the creation of a premature termination codon in LAMA2, a gene where loss-of-function variants are known to be pathogenic. Please note: this variant was assessed in the context of healthy population screening.

NM_000426.4(LAMA2):c.8430_8431insAG (p.Ala2811fs)

Gene: LAMA2 (laminin subunit alpha 2; plus strand). Cytogenetic location: 6q22.33.
Variant type: Insertion.
Coding change: c.8430_8431insAG on transcript NM_000426.4 (MANE Select); coding-DNA positions 8430 to 8431, AG inserted.
Protein change: p.Ala2811fs; shifts the reading frame from alanine 2811.
Molecular consequence: frameshift variant.
Genome position: GRCh38 VCF-style: chr6-129503163-T-TAG. GRCh37 (hg19) VCF-style: chr6-129824308-T-TAG.
Other names: c.8418_8419insAG, p.Ala2807fs (NM_001079823.2); short protein forms A2807fs, A2811fs.
Identifiers: ClinVar variation 1723912 (VCV001723912.3), dbSNP rs2533538365, ClinGen allele CA2580075015.
Genomic context (GRCh38, chr6:129,503,163, plus strand): 5'-GTTGGAAGTAAGAACCGAAGCTGAATCCGGCTTGCTTTTTTACATGGCTCGCATCAATCA[T>TAG]GCTGATTTTGCAACAGTTCAGCTGAGAAATGGATTGCCCTACTTCAGCTATGACTTGGGG-3'